The following is an entry in ClinVar:

ClinVar aggregate classification (germline): Likely pathogenic (1 of 4 stars; one submission).

Conditions:
Pontocerebellar hypoplasia type 7. Identifiers: Orphanet 284339, MedGen C3554226, MONDO:0013993, OMIM 614969.

Submission:

Department of Medical Genetics, International Peace Maternity and Child Health Hospital, Shanghai Jiao Tong University School of Medicine
Classification: Likely pathogenic for Pontocerebellar hypoplasia type 7. Last evaluated: 2021-09-19. Review status: criteria provided, single submitter. Criteria: ACMG Guidelines, 2015. Collection method: clinical testing. Allele origin: paternal. Inheritance: Autosomal recessive inheritance. Affected: yes. Observed: 1 compound heterozygote.
Comment: The c.551G>T, p.Arg184Leu variant located at exon 6 of TOE1 was not present in the gnomAD database and has not been previously reported. Sequence analysis showed that the amino acid residue at position 184 is located within the Asp-Glu-Asp-Asp (DEDD) deadenylase domain, a mutation hotspot of TOE1. Conservation analysis indicates Arg 184 is highly conserved among various species.Moreover, analysis of the 3D structure revealed that this arginine to leucine mutation may disrupt the proper formation of the β-sheet in the secondary structure of TOE1 protein. VarCards predicted that the p.Arg184Leu variant would impair TOE1 function, according to SIFT (“Damaging”, score = 0.01), PolyPhen-2 (“Possibly damaging”, score = 0.89), MutationTaster (“Disease-causing”, score = 0.87), ClinPred (“Pathogenic”, score = 0.96), and CADD (“Damaging”, score = 24). According to the ACMG/AMP 2015 guideline (Richards et al., 2015), the c.551G>T, p.Arg184Leu variant was classified as likely pathogenic (PM1+ PM2+PM3+PP3).

Literature cited by the submitters: PubMed 28092684.

NM_025077.4(TOE1):c.551G>T (p.Arg184Leu)

Gene: TOE1 (target of EGR1, exonuclease; plus strand). Cytogenetic location: 1p34.1.
Variant type: single nucleotide variant.
Coding change: c.551G>T on transcript NM_025077.4 (MANE Select); coding-DNA position 551, G replaced by T.
Protein change: p.Arg184Leu; replaces arginine 184 with leucine.
Molecular consequence: missense variant.
Genome position (GRCh38, 1-based): chr1:45,342,442, G>T. VCF-style: chr1-45342442-G-T. GRCh37 (hg19) VCF-style: chr1-45808114-G-T.
Other names: short protein forms R184L.
Identifiers: ClinVar variation 1275738 (VCV001275738.2), dbSNP rs267598623, ClinGen allele CA340139447.